The following is an entry in ClinVar:

ClinVar aggregate classification (germline): Uncertain significance (1 of 4 stars; one submission).

Conditions:
Cardiovascular phenotype. Identifiers: MedGen CN230736.

Submission:

Ambry Genetics
Classification: Uncertain significance for Cardiovascular phenotype. Last evaluated: 2024-05-06. Review status: criteria provided, single submitter. Criteria: Ambry Variant Classification Scheme 2023. Collection method: clinical testing. Allele origin: germline.
Comment: The p.E1460D variant (also known as c.4380G>C), located in coding exon 31 of the LAMA4 gene, results from a G to C substitution at nucleotide position 4380. The glutamic acid at codon 1460 is replaced by aspartic acid, an amino acid with highly similar properties. This amino acid position is conserved. In addition, this alteration is predicted to be tolerated by in silico analysis. Based on the available evidence, the clinical significance of this variant remains unclear.

NM_001105206.3(LAMA4):c.4401G>C (p.Glu1467Asp)

Gene: LAMA4 (laminin subunit alpha 4; minus strand). Cytogenetic location: 6q21.
Variant type: single nucleotide variant.
Coding change: c.4401G>C on transcript NM_001105206.3 (MANE Select); coding-DNA position 4401, G replaced by C.
Protein change: p.Glu1467Asp; replaces glutamic acid 1467 with aspartic acid.
Molecular consequence: missense variant.
Genome position (GRCh38, 1-based): chr6:112,122,088, C>G on the plus strand (G>C on the coding strand, the complement: LAMA4 is on the minus strand). VCF-style: chr6-112122088-C-G. GRCh37 (hg19) VCF-style: chr6-112443291-C-G.
Other names: c.4380G>C, p.Glu1460Asp (NM_001105207.3, NM_002290.5); short protein forms E1467D, E1460D.
Identifiers: ClinVar variation 3289941 (VCV003289941.1).